The following is an entry in ClinVar:

NM_030958.3(SLCO5A1):c.662C>T (p.Pro221Leu)

Gene: SLCO5A1 (solute carrier organic anion transporter family member 5A1; minus strand). Cytogenetic location: 8q13.3.
Variant type: single nucleotide variant.
Coding change: c.662C>T on transcript NM_030958.3 (MANE Select); coding-DNA position 662, C replaced by T.
Protein change: p.Pro221Leu; replaces proline 221 with leucine.
Molecular consequence: missense variant.
Genome position (GRCh38, 1-based): chr8:69,832,012, G>A on the plus strand (C>T on the coding strand, the complement: SLCO5A1 is on the minus strand). VCF-style: chr8-69832012-G-A. GRCh37 (hg19) VCF-style: chr8-70744247-G-A.
Other names: c.662C>T, p.Pro221Leu (NM_001146008.2, NM_001146009.1); short protein forms P221L.
Identifiers: ClinVar variation 1468404 (VCV001468404.8), dbSNP rs762870502, ClinGen allele CA178881333.

ClinVar aggregate classification (germline): Uncertain significance (1 of 4 stars; one submission).

gnomAD v4.1: 4 of 1,601,898 alleles (0.00025%); highest among the groups gnomAD compares: Non-Finnish European, 0.00034%; no homozygotes.

Submission:

Labcorp Genetics (formerly Invitae), Labcorp
Classification: Uncertain significance. Last evaluated: 2023-05-05. Review status: criteria provided, single submitter. Criteria: Invitae Variant Classification Sherloc (09022015). Collection method: clinical testing. Allele origin: germline.
Comment: This sequence change replaces proline, which is neutral and non-polar, with leucine, which is neutral and non-polar, at codon 221 of the SLCO5A1 protein (p.Pro221Leu). This variant is present in population databases (no rsID available, gnomAD 0.0009%). This variant has not been reported in the literature in individuals affected with SLCO5A1-related conditions. ClinVar contains an entry for this variant (Variation ID: 1468404). An algorithm developed to predict the effect of missense changes on protein structure and function (PolyPhen-2) suggests that this variant is likely to be tolerated. In summary, the available evidence is currently insufficient to determine the role of this variant in disease. Therefore, it has been classified as a Variant of Uncertain Significance.